The following is an entry in ClinVar:

NM_001034850.3(RETREG1):c.220G>A (p.Glu74Lys)

Genes: RETREG1 (reticulophagy regulator 1; minus strand), RETREG1-AS1 (RETREG1 antisense RNA 1; plus strand), LOC129993734 (ATAC-STARR-seq lymphoblastoid silent region 15947; plus strand). Cytogenetic location: 5p15.1.
Variant type: single nucleotide variant.
Coding change: c.220G>A on transcript NM_001034850.3 (MANE Select); coding-DNA position 220, G replaced by A.
Protein change: p.Glu74Lys; replaces glutamic acid 74 with lysine.
Molecular consequence: missense variant.
Genome position (GRCh38, 1-based): chr5:16,616,752, C>T on the plus strand (G>A on the coding strand, the complement: RETREG1 is on the minus strand). VCF-style: chr5-16616752-C-T. GRCh37 (hg19) VCF-style: chr5-16616861-C-T.
Other names: short protein forms E74K.
Identifiers: ClinVar variation 2127536 (VCV002127536.4), dbSNP rs1743524739, ClinGen allele CA359292765.

ClinVar aggregate classification (germline): Uncertain significance (1 of 4 stars; one submission).

Submission:

Labcorp Genetics (formerly Invitae), Labcorp
Classification: Uncertain significance. Last evaluated: 2022-04-18. Review status: criteria provided, single submitter. Criteria: Invitae Variant Classification Sherloc (09022015). Collection method: clinical testing. Allele origin: germline.
Comment: This sequence change replaces glutamic acid, which is acidic and polar, with lysine, which is basic and polar, at codon 74 of the RETREG1 protein (p.Glu74Lys). This variant is not present in population databases (gnomAD no frequency). This variant has not been reported in the literature in individuals affected with RETREG1-related conditions. Algorithms developed to predict the effect of missense changes on protein structure and function are either unavailable or do not agree on the potential impact of this missense change (SIFT: "Deleterious"; PolyPhen-2: "Probably Damaging"; Align-GVGD: "Class C0"). In summary, the available evidence is currently insufficient to determine the role of this variant in disease. Therefore, it has been classified as a Variant of Uncertain Significance.